The following is an entry in ClinVar:

NM_000512.5(GALNS):c.263C>T (p.Thr88Ile)

Gene: GALNS (galactosamine (N-acetyl)-6-sulfatase; minus strand). Cytogenetic location: 16q24.3.
Variant type: single nucleotide variant.
Coding change: c.263C>T on transcript NM_000512.5 (MANE Select); coding-DNA position 263, C replaced by T.
Protein change: p.Thr88Ile; replaces threonine 88 with isoleucine.
Molecular consequence: missense variant. On other transcripts: 5 prime UTR variant (1).
Genome position (GRCh38, 1-based): chr16:88,841,953, G>A on the plus strand (C>T on the coding strand, the complement: GALNS is on the minus strand). VCF-style: chr16-88841953-G-A. GRCh37 (hg19) VCF-style: chr16-88908361-G-A.
Other names: c.-293C>T (NM_001323543.2); c.281C>T, p.Thr94Ile (NM_001323544.2); short protein forms T88I, T94I.
Identifiers: ClinVar variation 1048447 (VCV001048447.3), dbSNP rs2143005111, ClinGen allele CA397089333.

ClinVar aggregate classification (germline): Uncertain significance (1 of 4 stars; one submission).

Conditions:
Mucopolysaccharidosis, MPS-IV-A (MPS4A). Also called: Mucopolysaccharidosis type IV A; Mucopolysaccharidosis Type IVA; Morquio syndrome A, mild; MORQUIO SYNDROME A; MPS IVA; mucopolysaccharidosis type 4A. Identifiers: Orphanet 309297, Orphanet 582, MedGen C0086651, MONDO:0009659, OMIM 253000.

Allele frequency attached by ClinVar (database versions not stated): gnomAD exomes below 0.00001.
gnomAD v4.1: 1 of 1,613,398 alleles (0.000062%); highest among the groups gnomAD compares: Non-Finnish European, 0.000085%; no homozygotes.

Submission:

Laboratory of Diagnosis and Therapy of Lysosomal Disorders, University of Padova
Classification: Uncertain significance for Mucopolysaccharidosis, MPS-IV-A. Last evaluated: 2021-02-01. Review status: criteria provided, single submitter. Criteria: ACMG Guidelines, 2015. Collection method: curation. Allele origin: germline. Affected: yes.
Comment: Absent from gnomAD v2.1.1 (PM2_moderate); multiple lines of computational evidence support a deleterious effect on the gene (PP3_supporting)

Literature cited by the submitters: PubMed 20574428; PubMed 34387910.